The following is an entry in ClinVar:

NM_012213.3(MLYCD):c.830C>T (p.Thr277Ile)

Genes: MLYCD (malonyl-CoA decarboxylase; plus strand), LOC126862422 (CDK7 strongly-dependent group 2 enhancer GRCh37_chr16:83945234-83946433; plus strand). Cytogenetic location: 16q23.3.
Variant type: single nucleotide variant.
Coding change: c.830C>T on transcript NM_012213.3 (MANE Select); coding-DNA position 830, C replaced by T.
Protein change: p.Thr277Ile; replaces threonine 277 with isoleucine.
Molecular consequence: missense variant.
Genome position (GRCh38, 1-based): chr16:83,912,249, C>T. VCF-style: chr16-83912249-C-T. GRCh37 (hg19) VCF-style: chr16-83945854-C-T.
Other names: short protein forms T277I.
Identifiers: ClinVar variation 2164409 (VCV002164409.1), dbSNP rs556609058, ClinGen allele CA8197407.

ClinVar aggregate classification (germline): Uncertain significance (1 of 4 stars; one submission).

Conditions:
Deficiency of malonyl-CoA decarboxylase. Also called: Malonic aciduria; MCD deficiency. Identifiers: Orphanet 943, MedGen C0342793, MONDO:0009556, OMIM 248360.

Allele frequency attached by ClinVar (database versions not stated): gnomAD exomes below 0.00001; ExAC 0.00001; gnomAD 0.00001; 1000 Genomes Project 30x 0.00016; 1000 Genomes Project 0.00020.
gnomAD v4.1: 5 of 1,614,172 alleles (0.00031%); highest among the groups gnomAD compares: East Asian, 0.0045%; no homozygotes.

Submission:

Labcorp Genetics (formerly Invitae), Labcorp
Classification: Uncertain significance for Deficiency of malonyl-CoA decarboxylase. Last evaluated: 2022-05-27. Review status: criteria provided, single submitter. Criteria: Invitae Variant Classification Sherloc (09022015). Collection method: clinical testing. Allele origin: germline.
Comment: This sequence change replaces threonine, which is neutral and polar, with isoleucine, which is neutral and non-polar, at codon 277 of the MLYCD protein (p.Thr277Ile). This variant is present in population databases (rs556609058, gnomAD 0.003%). This variant has not been reported in the literature in individuals affected with MLYCD-related conditions. Algorithms developed to predict the effect of missense changes on protein structure and function are either unavailable or do not agree on the potential impact of this missense change (SIFT: "Deleterious"; PolyPhen-2: "Benign"; Align-GVGD: "Class C0"). In summary, the available evidence is currently insufficient to determine the role of this variant in disease. Therefore, it has been classified as a Variant of Uncertain Significance.